The following is an entry in ClinVar:

NM_002768.5(CHMP1A):c.210C>T (p.Asp70=)

Gene: CHMP1A (charged multivesicular body protein 1A; minus strand). Cytogenetic location: 16q24.3.
Variant type: single nucleotide variant.
Coding change: c.210C>T on transcript NM_002768.5 (MANE Select); coding-DNA position 210, C replaced by T.
Protein change: p.Asp70=; no amino-acid change (aspartic acid 70 retained).
Molecular consequence: synonymous variant. On other transcripts: missense variant (1), non-coding transcript variant (1).
Genome position (GRCh38, 1-based): chr16:89,649,393, G>A on the plus strand (C>T on the coding strand, the complement: CHMP1A is on the minus strand). VCF-style: chr16-89649393-G-A. GRCh37 (hg19) VCF-style: chr16-89715801-G-A.
Other names: c.190C>T, p.Arg64Cys (NM_001083314.4); c.190C>T (NM_001083314.3); short protein forms R64C.
Identifiers: ClinVar variation 210727 (VCV000210727.19), dbSNP rs114931496, ClinGen allele CA208568.

ClinVar aggregate classification (germline): Conflicting classifications of pathogenicity. Review status: criteria provided, conflicting classifications (1 of 4 stars). 4 submissions from 4 submitters: Uncertain significance (1); Benign (1); Likely benign (1). 1 of the submissions does not count toward it. Last evaluated 2026-01-31.

Conditions:
CHMP1A-related disorder. Also called: CHMP1A-related condition.

Allele frequency attached by ClinVar (database versions not stated): gnomAD exomes 0.00110; ExAC 0.00122; gnomAD 0.00406 and 0.00440; ESP Exome Variant Server 0.00420; 1000 Genomes Project 0.00439; 1000 Genomes Project 30x 0.00453; TOPMed 0.00505.
gnomAD v4.1: 1,394 of 1,613,678 alleles (0.086%); highest among the groups gnomAD compares: African/African-American, 1.5%; 12 homozygotes.

Submissions (4):

Labcorp Genetics (formerly Invitae), Labcorp
Classification: Benign. Last evaluated: 2026-01-31. Review status: criteria provided, single submitter. Criteria: Invitae Variant Classification Sherloc (09022015). Collection method: clinical testing. Allele origin: germline.

GeneDx
Classification: Likely benign. Last evaluated: 2020-12-02. Review status: criteria provided, single submitter. Criteria: GeneDx Variant Classification Process June 2021. Collection method: clinical testing. Allele origin: germline. Affected: yes.

Genetic Services Laboratory, University of Chicago
Classification: Uncertain significance. Last evaluated: 2014-10-09. Review status: criteria provided, single submitter. Criteria: ACMG Guidelines, 2015. Collection method: clinical testing. Allele origin: germline.

PreventionGenetics, part of Exact Sciences
Classification: Likely benign for CHMP1A-related condition. Last evaluated: 2019-02-22. Review status: no assertion criteria provided. Collection method: clinical testing. Allele origin: germline. Not counted in ClinVar's aggregate classification.
Comment: This variant is classified as likely benign based on ACMG/AMP sequence variant interpretation guidelines (Richards et al. 2015 PMID: 25741868, with internal and published modifications).